The following is an entry in ClinVar:

NM_000388.4(CASR):c.2425T>A (p.Phe809Ile)

Gene: CASR (calcium sensing receptor; plus strand). Cytogenetic location: 3q21.1.
Variant type: single nucleotide variant.
Coding change: c.2425T>A on transcript NM_000388.4 (MANE Select); coding-DNA position 2425, T replaced by A.
Protein change: p.Phe809Ile; replaces phenylalanine 809 with isoleucine.
Molecular consequence: missense variant.
Genome position (GRCh38, 1-based): chr3:122,284,379, T>A. VCF-style: chr3-122284379-T-A. GRCh37 (hg19) VCF-style: chr3-122003226-T-A.
Other names: c.2455T>A, p.Phe819Ile (NM_001178065.2); short protein forms F819I, F809I.
Identifiers: ClinVar variation 834725 (VCV000834725.10), dbSNP rs2074938402, ClinGen allele CA354159770.

ClinVar aggregate classification (germline): Uncertain significance (1 of 4 stars; one submission).

Conditions:
Autosomal dominant hypocalcemia 1 (HYPOC1). Also called: HYPOCALCEMIA, FAMILIAL. Identifiers: MedGen C3715128, MONDO:0011013, OMIM 601198.
Familial hypocalciuric hypercalcemia (FHH). Also called: Familial benign hypercalcemia. Identifiers: Orphanet 405, MedGen C1809471, MONDO:0018458.

Submission:

Labcorp Genetics (formerly Invitae), Labcorp
Classification: Uncertain significance for Familial hypocalciuric hypercalcemia; Autosomal dominant hypocalcemia 1. Last evaluated: 2024-05-07. Review status: criteria provided, single submitter. Criteria: Invitae Variant Classification Sherloc (09022015). Collection method: clinical testing. Allele origin: germline.
Comment: This sequence change replaces phenylalanine, which is neutral and non-polar, with isoleucine, which is neutral and non-polar, at codon 809 of the CASR protein (p.Phe809Ile). This variant is not present in population databases (gnomAD no frequency). This missense change has been observed in individual(s) with clinical features of familial hypocalciuric hypercalcaemia (PMID: 26963950). ClinVar contains an entry for this variant (Variation ID: 834725). An algorithm developed to predict the effect of missense changes on protein structure and function (PolyPhen-2) suggests that this variant is likely to be disruptive. In summary, the available evidence is currently insufficient to determine the role of this variant in disease. Therefore, it has been classified as a Variant of Uncertain Significance.

Literature cited by the submitters: PubMed 26963950.